The following is an entry in ClinVar:

NM_018082.6(POLR3B):c.781G>A (p.Val261Met)

Gene: POLR3B (RNA polymerase III subunit B; plus strand). Cytogenetic location: 12q23.3.
Variant type: single nucleotide variant.
Coding change: c.781G>A on transcript NM_018082.6 (MANE Select); coding-DNA position 781, G replaced by A.
Protein change: p.Val261Met; replaces valine 261 with methionine.
Molecular consequence: missense variant.
Genome position (GRCh38, 1-based): chr12:106,393,088, G>A. VCF-style: chr12-106393088-G-A. GRCh37 (hg19) VCF-style: chr12-106786866-G-A.
Other names: c.607G>A, p.Val203Met (NM_001160708.2); short protein forms V203M, V261M.
Identifiers: ClinVar variation 1215485 (VCV001215485.10), dbSNP rs201440861, ClinGen allele CA6761788.

ClinVar aggregate classification (germline): Uncertain significance. Review status: criteria provided, multiple submitters, no conflicts (2 of 4 stars). 3 submissions from 3 submitters: Uncertain significance (3). Last evaluated 2025-12-17.

Conditions:
Inborn genetic diseases. Identifiers: MedGen C0950123, MeSH D030342.

Allele frequency attached by ClinVar (database versions not stated): gnomAD 0.00001; ExAC 0.00002.

Submissions (3):

GeneDx
Classification: Uncertain significance. Last evaluated: 2025-12-17. Review status: criteria provided, single submitter. Criteria: GeneDx Variant Classification Process June 2021. Collection method: clinical testing. Allele origin: germline. Affected: yes.
Comment: Not observed at significant frequency in large population cohorts (gnomAD); In silico analysis suggests that this missense variant does not alter protein structure/function; Has not been previously published as pathogenic or benign to our knowledge

Ambry Genetics
Classification: Uncertain significance for Inborn genetic diseases. Last evaluated: 2025-08-13. Review status: criteria provided, single submitter. Criteria: Ambry Variant Classification Scheme 2023. Collection method: clinical testing. Allele origin: germline.

Labcorp Genetics (formerly Invitae), Labcorp
Classification: Uncertain significance. Last evaluated: 2024-02-01. Review status: criteria provided, single submitter. Criteria: Invitae Variant Classification Sherloc (09022015). Collection method: clinical testing. Allele origin: germline.
Comment: This sequence change replaces valine, which is neutral and non-polar, with methionine, which is neutral and non-polar, at codon 261 of the POLR3B protein (p.Val261Met). This variant is present in population databases (rs201440861, gnomAD 0.003%). This variant has not been reported in the literature in individuals affected with POLR3B-related conditions. ClinVar contains an entry for this variant (Variation ID: 1215485). Advanced modeling of protein sequence and biophysical properties (such as structural, functional, and spatial information, amino acid conservation, physicochemical variation, residue mobility, and thermodynamic stability) performed at Invitae indicates that this missense variant is not expected to disrupt POLR3B protein function with a negative predictive value of 80%. In summary, the available evidence is currently insufficient to determine the role of this variant in disease. Therefore, it has been classified as a Variant of Uncertain Significance.